The following is an entry in ClinVar:

ClinVar aggregate classification (germline): Pathogenic (1 of 4 stars; one submission).

Conditions:
Hermansky-Pudlak syndrome 4 (HPS4). Identifiers: Orphanet 231500, Orphanet 79430, MedGen C3484357, MONDO:0013556, OMIM 614073.

Submission:

Department of Clinical Genetics, Copenhagen University Hospital, Rigshospitalet
Classification: Pathogenic for Hermansky-Pudlak syndrome 4. Last evaluated: 2025-05-23. Review status: criteria provided, single submitter. Criteria: ACMG Guidelines, 2015. Collection method: clinical testing. Allele origin: germline.
Comment: The following ACMG criteria has been used: PVS1, PM2_sup, PM3

NM_022081.6(HPS4):c.1739del (p.Asn580fs)

Gene: HPS4 (HPS4 biogenesis of lysosomal organelles complex 3 subunit 2; minus strand). Cytogenetic location: 22q12.1.
Variant type: Deletion.
Coding change: c.1739del on transcript NM_022081.6 (MANE Select); coding-DNA position 1739, one base deleted (A; older notation c.1739delA).
Protein change: p.Asn580fs; shifts the reading frame from asparagine 580.
Molecular consequence: frameshift variant. On other transcripts: non-coding transcript variant (8), intron variant (2).
Genome position (GRCh38, 1-based): chr22:26,458,552, T deleted on the plus strand (A on the coding strand, the reverse complement: HPS4 is on the minus strand); the first of 2 consecutive T bases (chr22:26,458,552-26,458,553); deleting either gives the same sequence. VCF-style (leftmost placement, unchanged base first): chr22-26458551-AT-A. GRCh37 (hg19) VCF-style: chr22-26854517-AT-A.
Other names: c.1793del, p.Asn598fs (NM_001349901.1, NM_001349900.2); c.1739del, p.Asn580fs (NM_001349904.2, NM_001349905.1, NM_001410832.1 and 3 more transcripts); c.1724del, p.Asn575fs (NM_152841.2); c.1714-5148del (NM_001349902.1, NM_001349903.2); c.1739delA (NM_022081.6); short protein forms N575fs, N580fs, N598fs.
Identifiers: ClinVar variation 4073703 (VCV004073703.1).